The following is an entry in ClinVar:

ClinVar aggregate classification (germline): Likely benign (0 of 4 stars; one submission).

Conditions:
KCNC2-related disorder.

gnomAD v4.1: 49 of 1,613,344 alleles (0.003%); highest among the groups gnomAD compares: African/African-American, 0.047%; no homozygotes.

Submission:

PreventionGenetics, part of Exact Sciences
Classification: Likely benign for KCNC2-related condition. Last evaluated: 2024-03-27. Review status: no assertion criteria provided. Collection method: clinical testing. Allele origin: germline.
Comment: This variant is classified as likely benign based on ACMG/AMP sequence variant interpretation guidelines (Richards et al. 2015 PMID: 25741868, with internal and published modifications).

NM_139137.4(KCNC2):c.1167G>A (p.Leu389=)

Gene: KCNC2 (potassium voltage-gated channel subfamily C member 2; minus strand). Cytogenetic location: 12q21.1.
Variant type: single nucleotide variant.
Coding change: c.1167G>A on transcript NM_139137.4 (MANE Select); coding-DNA position 1167, G replaced by A.
Protein change: p.Leu389=; no amino-acid change (leucine 389 retained).
Molecular consequence: synonymous variant. On other transcripts: non-coding transcript variant (1).
Genome position (GRCh38, 1-based): chr12:75,050,838, C>T on the plus strand (G>A on the coding strand, the complement: KCNC2 is on the minus strand). VCF-style: chr12-75050838-C-T. GRCh37 (hg19) VCF-style: chr12-75444618-C-T.
Other names: c.1167G>A, p.Leu389= (NM_001260497.2, NM_001260498.2, NM_001260499.2 and 13 more transcripts).
Identifiers: ClinVar variation 3352404 (VCV003352404.1).